The following is an entry in ClinVar:

ClinVar aggregate classification (germline): Uncertain significance (1 of 4 stars; one submission).

Conditions:
Hypertrophic cardiomyopathy. Also called: HYPERTROPHIC MYOCARDIOPATHY. Identifiers: Orphanet 217569, MedGen C0007194, MeSH D002312, MONDO:0005045, HP:0001639.

Allele frequency attached by ClinVar (database versions not stated): gnomAD exomes below 0.00001.
gnomAD v4.1: 1 of 1,614,230 alleles (0.000062%); highest among the groups gnomAD compares: Non-Finnish European, 0.000085%; no homozygotes.

Submission:

Labcorp Genetics (formerly Invitae), Labcorp
Classification: Uncertain significance for Hypertrophic cardiomyopathy. Last evaluated: 2022-09-12. Review status: criteria provided, single submitter. Criteria: Invitae Variant Classification Sherloc (09022015). Collection method: clinical testing. Allele origin: germline.
Comment: In summary, the available evidence is currently insufficient to determine the role of this variant in disease. Therefore, it has been classified as a Variant of Uncertain Significance. Advanced modeling of protein sequence and biophysical properties (such as structural, functional, and spatial information, amino acid conservation, physicochemical variation, residue mobility, and thermodynamic stability) performed at Invitae indicates that this missense variant is expected to disrupt MYH7 protein function. This variant has not been reported in the literature in individuals affected with MYH7-related conditions. This variant is not present in population databases (gnomAD no frequency). This sequence change replaces leucine, which is neutral and non-polar, with methionine, which is neutral and non-polar, at codon 1797 of the MYH7 protein (p.Leu1797Met).

NM_000257.4(MYH7):c.5389C>A (p.Leu1797Met)

Gene: MYH7 (myosin heavy chain 7; minus strand). Cytogenetic location: 14q11.2.
Variant type: single nucleotide variant.
Coding change: c.5389C>A on transcript NM_000257.4 (MANE Select); coding-DNA position 5389, C replaced by A.
Protein change: p.Leu1797Met; replaces leucine 1797 with methionine.
Molecular consequence: missense variant.
Genome position (GRCh38, 1-based): chr14:23,415,165, G>T on the plus strand (C>A on the coding strand, the complement: MYH7 is on the minus strand). VCF-style: chr14-23415165-G-T. GRCh37 (hg19) VCF-style: chr14-23884374-G-T.
Other names: c.5389C>A, p.Leu1797Met (NM_001407004.1); short protein forms L1797M.
Identifiers: ClinVar variation 1714860 (VCV001714860.5), dbSNP rs2502239362, ClinGen allele CA389035650.